The following is an entry in ClinVar:

NM_001130823.3(DNMT1):c.1394T>C (p.Leu465Pro)

Gene: DNMT1 (DNA methyltransferase 1; minus strand). Cytogenetic location: 19p13.2.
Variant type: single nucleotide variant.
Coding change: c.1394T>C on transcript NM_001130823.3 (MANE Select); coding-DNA position 1394, T replaced by C.
Protein change: p.Leu465Pro; replaces leucine 465 with proline.
Molecular consequence: missense variant.
Genome position (GRCh38, 1-based): chr19:10,156,396, A>G on the plus strand (T>C on the coding strand, the complement: DNMT1 is on the minus strand). VCF-style: chr19-10156396-A-G. GRCh37 (hg19) VCF-style: chr19-10267072-A-G.
Other names: c.1394T>C (LRG_362t1); c.1346T>C, p.Leu449Pro (NM_001318730.2, NM_001379.4); c.1031T>C, p.Leu344Pro (NM_001318731.2); short protein forms L465P, L449P, L344P.
Identifiers: ClinVar variation 641758 (VCV000641758.9), dbSNP rs1599368104, ClinGen allele CA403937912.

ClinVar aggregate classification (germline): Uncertain significance. Review status: criteria provided, multiple submitters, no conflicts (2 of 4 stars). 2 submissions from 2 submitters: Uncertain significance (2). Last evaluated 2023-07-07.

Conditions:
Hereditary sensory neuropathy-deafness-dementia syndrome. Also called: Hereditary sensory neuropathy type IE; HSN IE; NEUROPATHY, HEREDITARY SENSORY, WITH HEARING LOSS AND DEMENTIA; Hereditary Sensory and Autonomic Neuropathy Type 1E (HSAN1E). Identifiers: Orphanet 456318, MedGen C3279885, MONDO:0013584, OMIM 614116.

Submissions (2):

Labcorp Genetics (formerly Invitae), Labcorp
Classification: Uncertain significance for Hereditary sensory neuropathy-deafness-dementia syndrome. Last evaluated: 2023-07-07. Review status: criteria provided, single submitter. Criteria: Invitae Variant Classification Sherloc (09022015). Collection method: clinical testing. Allele origin: germline.
Comment: This variant is not present in population databases (gnomAD no frequency). This sequence change replaces leucine, which is neutral and non-polar, with proline, which is neutral and non-polar, at codon 465 of the DNMT1 protein (p.Leu465Pro). This variant has not been reported in the literature in individuals affected with DNMT1-related conditions. In summary, the available evidence is currently insufficient to determine the role of this variant in disease. Therefore, it has been classified as a Variant of Uncertain Significance. Advanced modeling of protein sequence and biophysical properties (such as structural, functional, and spatial information, amino acid conservation, physicochemical variation, residue mobility, and thermodynamic stability) performed at Invitae indicates that this missense variant is not expected to disrupt DNMT1 protein function. ClinVar contains an entry for this variant (Variation ID: 641758).

Blueprint Genetics
Classification: Uncertain significance. Last evaluated: 2020-09-15. Review status: criteria provided, single submitter. Criteria: ACMG Guidelines, 2015. Collection method: clinical testing. Allele origin: germline.